The following is an entry in ClinVar:

NM_024675.4(PALB2):c.2772_2777del (p.923VP[1])

Gene: PALB2 (partner and localizer of BRCA2; minus strand). Cytogenetic location: 16p12.2.
Variant type: Deletion.
Coding change: c.2772_2777del on transcript NM_024675.4 (MANE Select); coding-DNA positions 2772 to 2777, 6 bases deleted (AGTGCC; older notation c.2772_2777delAGTGCC).
Protein change: p.923VP[1].
Molecular consequence: inframe deletion.
Genome position (GRCh38, 1-based): chr16:23,624,066-23,624,071, GGCACT deleted on the plus strand (AGTGCC on the coding strand, the reverse complement: PALB2 is on the minus strand); deleting any 6 consecutive bases within chr16:23,624,066-23,624,073 gives the same sequence; the c. name uses the placement nearest the transcript's 3' end. VCF-style (leftmost placement, unchanged base first): chr16-23624065-AGGCACT-A. GRCh37 (hg19) VCF-style: chr16-23635386-AGGCACT-A.
Other names: c.2712_2717del, p.903VP[1] (NM_001407296.1); c.2700_2705del, p.899VP[1] (NM_001407297.1); c.2610_2615del, p.869VP[1] (NM_001407298.1, NM_001407302.1); c.2772_2777del, p.923VP[1] (NM_001407299.1, NM_001407300.1, NM_001407301.1); c.1887_1892del, p.628VP[1] (NM_001407304.1, NM_001407305.1, NM_001407306.1 and 4 more transcripts); c.1725_1730del, p.574VP[1] (NM_001407307.1); c.984_989del, p.327VP[1] (NM_001407312.1, NM_001407313.1); c.306_311del, p.101VP[1] (NM_001407314.1).
Identifiers: ClinVar variation 4713654 (VCV004713654.1).

ClinVar aggregate classification (germline): Uncertain significance (1 of 4 stars; one submission).

Conditions:
Familial cancer of breast. Also called: hereditary breast carcinoma; BREAST CANCER, FAMILIAL; Hereditary breast cancer. Identifiers: Orphanet 227535, MedGen C0346153, MONDO:0016419, OMIM 114480. Disease mechanism: loss of function.

Submission:

Labcorp Genetics (formerly Invitae), Labcorp
Classification: Uncertain significance for Familial cancer of breast. Last evaluated: 2025-02-23. Review status: criteria provided, single submitter. Criteria: Invitae Variant Classification Sherloc (09022015). Collection method: clinical testing. Allele origin: germline.
Comment: This variant, c.2772_2777del, results in the deletion of 2 amino acid(s) of the PALB2 protein (p.Val925_Pro926del), but otherwise preserves the integrity of the reading frame. This variant is not present in population databases (gnomAD no frequency). This variant has not been reported in the literature in individuals affected with PALB2-related conditions. Experimental studies and prediction algorithms are not available or were not evaluated, and the functional significance of this variant is currently unknown. In summary, the available evidence is currently insufficient to determine the role of this variant in disease. Therefore, it has been classified as a Variant of Uncertain Significance.